The following is an entry in ClinVar:

NM_002049.4(GATA1):c.331C>T (p.Pro111Ser)

Gene: GATA1 (GATA binding protein 1; plus strand). Cytogenetic location: Xp11.23.
Variant type: single nucleotide variant.
Coding change: c.331C>T on transcript NM_002049.4 (MANE Select); coding-DNA position 331, C replaced by T.
Protein change: p.Pro111Ser; replaces proline 111 with serine.
Molecular consequence: missense variant.
Genome position (GRCh38, 1-based): chrX:48,791,954, C>T. VCF-style: chrX-48791954-C-T. GRCh37 (hg19) VCF-style: chrX-48650361-C-T.
Other names: short protein forms P111S.
Identifiers: ClinVar variation 4791421 (VCV004791421.1).
Genomic context (GRCh38, chrX:48,791,954, plus strand): 5'-TCACCATATGCCGGCTGGGCCTACGGCAAGACGGGGCTCTACCCTGCCTCAACTGTGTGT[C>T]CCACCCGCGAGGACTCTCCTCCCCAGGCCGTGGAAGATCTGGATGGAAAAGGCAGCACCA-3'
Protein context (NP_002040.1, residues 101-121): TGLYPASTVC[Pro111Ser]TREDSPPQAV

ClinVar aggregate classification (germline): Uncertain significance (1 of 4 stars; one submission).

Conditions:
Diamond-Blackfan anemia. Also called: Blackfan Diamond syndrome; Aregenerative anemia chronic congenital; Red cell aplasia, pure hereditary; Congenital hypoplastic anemia; Aase syndrome. Identifiers: Orphanet 124, MedGen C1260899, MeSH D029503, MONDO:0015253, HP:0004810.
GATA binding protein 1 related thrombocytopenia with dyserythropoiesis. Also called: GATA1-Related Cytopenia; GATA1-Related X-Linked Cytopenia. Identifiers: MedGen C1845837, MONDO:0100089.

Submission:

Labcorp Genetics (formerly Invitae), Labcorp
Classification: Uncertain significance for GATA binding protein 1 related thrombocytopenia with dyserythropoiesis; Diamond-Blackfan anemia. Last evaluated: 2025-08-04. Review status: criteria provided, single submitter. Criteria: Invitae Variant Classification Sherloc (09022015). Collection method: clinical testing. Allele origin: germline.
Comment: This sequence change replaces proline, which is neutral and non-polar, with serine, which is neutral and polar, at codon 111 of the GATA1 protein (p.Pro111Ser). This variant is not present in population databases (gnomAD no frequency). This variant has not been reported in the literature in individuals affected with GATA1-related conditions. Invitae Evidence Modeling of protein sequence and biophysical properties (such as structural, functional, and spatial information, amino acid conservation, physicochemical variation, residue mobility, and thermodynamic stability) indicates that this missense variant is not expected to disrupt GATA1 protein function with a negative predictive value of 95%. In summary, the available evidence is currently insufficient to determine the role of this variant in disease. Therefore, it has been classified as a Variant of Uncertain Significance.